The following is an entry in ClinVar:

NM_001371986.1(UNC80):c.9725C>A (p.Thr3242Asn)

Gene: UNC80 (unc-80 subunit of NALCN channel complex; plus strand). Cytogenetic location: 2q34.
Variant type: single nucleotide variant.
Coding change: c.9725C>A on transcript NM_001371986.1 (MANE Select); coding-DNA position 9725, C replaced by A.
Protein change: p.Thr3242Asn; replaces threonine 3242 with asparagine.
Molecular consequence: missense variant.
Genome position (GRCh38, 1-based): chr2:209,995,345, C>A. VCF-style: chr2-209995345-C-A. GRCh37 (hg19) VCF-style: chr2-210860069-C-A.
Other names: c.9527C>A, p.Thr3176Asn (NM_032504.2); c.9455C>A, p.Thr3152Asn (NM_182587.4); short protein forms T3152N, T3176N, T3242N.
Identifiers: ClinVar variation 1299421 (VCV001299421.1), dbSNP rs1575264901, ClinGen allele CA350416160.

ClinVar aggregate classification (germline): Uncertain significance (1 of 4 stars; one submission).

Conditions:
Hypotonia, infantile, with psychomotor retardation and characteristic facies 2 (IHPRF2). Also called: UNC80 Deficiency. Identifiers: Orphanet 371364, Orphanet 700333, MedGen C4225203, MONDO:0014777, OMIM 616801.

Submission:

Breda Genetics srl
Classification: Uncertain significance for Hypotonia, infantile, with psychomotor retardation and characteristic facies 2. Last evaluated: 2021-05-21. Review status: criteria provided, single submitter. Criteria: ACMG Guidelines, 2015. Collection method: clinical testing. Allele origin: germline. Inheritance: Autosomal recessive inheritance. Affected: yes. Observed: 1 variant allele, 1 heterozygote.
Comment: The variant c.9527C>A (p.Thr3176Asn) in the UNC80 gene has not been reported in the dbSNP, gnomAD, or ClinVar databases. The nucleotide position is moderately conserved across 35 mammalian species (GERP RS: 2.14). In silico analysis indicates that the variant might be neutral. However, especially in the setting of variable expressivity, it is advised to use in silico prediction tools with caution (PMID:29805046).